The following is an entry in ClinVar:

ClinVar aggregate classification (germline): Uncertain significance. Review status: criteria provided, multiple submitters, no conflicts (2 of 4 stars). 2 submissions from 2 submitters: Uncertain significance (2). Last evaluated 2024-03-02.

Conditions:
Idiopathic Pulmonary Fibrosis. Also called: Idiopathic fibrosing alveolitis, chronic form; idiopathic fibrosing alveolitis. Identifiers: Orphanet 2032, MedGen C1800706, MeSH D054990, MONDO:0800504.
Dyskeratosis congenita, autosomal dominant 2. Identifiers: MedGen C3151443, MONDO:0013521, OMIM 613989.
Dyskeratosis congenita. Identifiers: Orphanet 1775, MedGen C0265965, MONDO:0015780.

gnomAD v4.1: 1 of 1,613,708 alleles (0.000062%); highest among the groups gnomAD compares: African/African-American, 0.0013%; no homozygotes.

Submissions (2):

Ambry Genetics
Classification: Uncertain significance for Dyskeratosis congenita. Last evaluated: 2024-03-02. Review status: criteria provided, single submitter. Criteria: Ambry Variant Classification Scheme 2023. Collection method: clinical testing. Allele origin: germline.
Comment: The p.Q608K variant (also known as c.1822C>A), located in coding exon 4 of the TERT gene, results from a C to A substitution at nucleotide position 1822. The glutamine at codon 608 is replaced by lysine, an amino acid with similar properties. This amino acid position is conserved. In addition, this alteration is predicted to be tolerated by in silico analysis. Based on the available evidence, the clinical significance of this alteration remains unclear.

Labcorp Genetics (formerly Invitae), Labcorp
Classification: Uncertain significance for Dyskeratosis congenita, autosomal dominant 2; Idiopathic Pulmonary Fibrosis. Last evaluated: 2022-04-08. Review status: criteria provided, single submitter. Criteria: Invitae Variant Classification Sherloc (09022015). Collection method: clinical testing. Allele origin: germline.
Comment: This sequence change replaces glutamine, which is neutral and polar, with lysine, which is basic and polar, at codon 608 of the TERT protein (p.Gln608Lys). In summary, the available evidence is currently insufficient to determine the role of this variant in disease. Therefore, it has been classified as a Variant of Uncertain Significance. Advanced modeling of protein sequence and biophysical properties (such as structural, functional, and spatial information, amino acid conservation, physicochemical variation, residue mobility, and thermodynamic stability) performed at Invitae indicates that this missense variant is not expected to disrupt TERT protein function. This variant has not been reported in the literature in individuals affected with TERT-related conditions. This variant is not present in population databases (gnomAD no frequency).

NM_198253.3(TERT):c.1822C>A (p.Gln608Lys)

Gene: TERT (telomerase reverse transcriptase; minus strand). Cytogenetic location: 5p15.33.
Variant type: single nucleotide variant.
Coding change: c.1822C>A on transcript NM_198253.3 (MANE Select); coding-DNA position 1822, C replaced by A.
Protein change: p.Gln608Lys; replaces glutamine 608 with lysine.
Molecular consequence: missense variant. On other transcripts: non-coding transcript variant (2).
Genome position (GRCh38, 1-based): chr5:1,280,286, G>T on the plus strand (C>A on the coding strand, the complement: TERT is on the minus strand). VCF-style: chr5-1280286-G-T. GRCh37 (hg19) VCF-style: chr5-1280401-G-T.
Other names: c.1822C>A, p.Gln608Lys (NM_001193376.3, NM_003219.1); short protein forms Q608K.
Identifiers: ClinVar variation 2123129 (VCV002123129.5), dbSNP rs1214190480, ClinGen allele CA359081922.